The following is an entry in ClinVar:

NM_015662.3(IFT172):c.2635G>A (p.Glu879Lys)

Genes: IFT172 (intraflagellar transport 172; minus strand), LOC126806174 (CDK7 strongly-dependent group 2 enhancer GRCh37_chr2:27681686-27682885; plus strand). Cytogenetic location: 2p23.3.
Variant type: single nucleotide variant.
Coding change: c.2635G>A on transcript NM_015662.3 (MANE Select); coding-DNA position 2635, G replaced by A.
Protein change: p.Glu879Lys; replaces glutamic acid 879 with lysine.
Molecular consequence: missense variant.
Genome position (GRCh38, 1-based): chr2:27,459,716, C>T on the plus strand (G>A on the coding strand, the complement: IFT172 is on the minus strand). VCF-style: chr2-27459716-C-T. GRCh37 (hg19) VCF-style: chr2-27682583-C-T.
Other names: c.2635G>A (NM_015662.2); c.2569G>A, p.Glu857Lys (NM_001410739.1); short protein forms E857K, E879K.
Identifiers: ClinVar variation 3586320 (VCV003586320.3).

ClinVar aggregate classification (germline): Uncertain significance. Review status: criteria provided, multiple submitters, no conflicts (2 of 4 stars). 3 submissions from 3 submitters: Uncertain significance (3). Last evaluated 2026-03-02.

Conditions:
Short-rib thoracic dysplasia 10 with or without polydactyly (SRTD10). Identifiers: Orphanet 474, MedGen C3810175, MONDO:0014284, OMIM 615630.
Bardet-Biedl syndrome 20. Identifiers: MedGen C4310707, MONDO:0023670, OMIM 619471, MONDO:0014926.
Retinitis pigmentosa 71 (RP71). Identifiers: Orphanet 791, MedGen C4225342, MONDO:0014618, OMIM 616394.
IFT172-related disorder. Also called: IFT172-related disorders; IFT172-related condition.

gnomAD v4.1: 4 of 1,612,394 alleles (0.00025%); highest among the groups gnomAD compares: Non-Finnish European, 0.00034%; no homozygotes.

Submissions (3):

PreventionGenetics, part of Exact Sciences
Classification: Uncertain significance for IFT172-related condition. Last evaluated: 2026-03-02. Review status: criteria provided, single submitter. Criteria: ACMG Guidelines, 2015. Collection method: clinical testing. Allele origin: germline.
Comment: The IFT172 c.2635G>A variant is predicted to result in the amino acid substitution p.Glu879Lys. To our knowledge, this variant has not been reported in the literature. This variant is reported in 0.0% of alleles in individuals of African descent in gnomAD. At this time, the clinical significance of this variant is uncertain due to the absence of conclusive functional and genetic evidence.

Fulgent Genetics
Classification: Uncertain significance for Short-rib thoracic dysplasia 10 with or without polydactyly; Retinitis pigmentosa 71; Bardet-Biedl syndrome 20. Last evaluated: 2023-12-29. Review status: criteria provided, single submitter. Criteria: ACMG Guidelines, 2015. Collection method: clinical testing. Allele origin: germline.

Blueprint Genetics
Classification: Uncertain significance. Last evaluated: 2021-10-06. Review status: criteria provided, single submitter. Criteria: ACMG Guidelines, 2015. Collection method: clinical testing. Allele origin: germline.